The following is an entry in ClinVar:

NM_000030.3(AGXT):c.658A>T (p.Ile220Phe)

Gene: AGXT (alanine--glyoxylate aminotransferase; plus strand). Cytogenetic location: 2q37.3.
Variant type: single nucleotide variant.
Coding change: c.658A>T on transcript NM_000030.3 (MANE Select); coding-DNA position 658, A replaced by T.
Protein change: p.Ile220Phe; replaces isoleucine 220 with phenylalanine.
Molecular consequence: missense variant.
Genome position (GRCh38, 1-based): chr2:240,874,040, A>T. VCF-style: chr2-240874040-A-T. GRCh37 (hg19) VCF-style: chr2-241813457-A-T.
Other names: short protein forms I220F.
Identifiers: ClinVar variation 2671872 (VCV002671872.1), dbSNP rs2528753308, ClinGen allele CA351317007.

ClinVar aggregate classification (germline): Pathogenic (1 of 4 stars; one submission).

Conditions:
Primary hyperoxaluria, type I (HP1). Also called: OXALOSIS I; Primary hyperoxaluria type 1; GLYCOLIC ACIDURIA; HEPATIC AGT DEFICIENCY. Identifiers: Orphanet 416, Orphanet 93598, MedGen C0268164, MONDO:0009823, OMIM 259900. Disease mechanism: loss of function.

Submission:

Thalassemia Center, San Luigi University Hospital
Classification: Pathogenic for Primary hyperoxaluria, type I. Last evaluated: 2023-10-27. Review status: criteria provided, single submitter. Criteria: ACMG Guidelines, 2015. Collection method: clinical testing. Allele origin: germline. Affected: yes.
Comment: ACMG:PS3 PM1 PM2 PM3 PP4